The following is an entry in ClinVar:

ClinVar aggregate classification (germline): Uncertain significance (1 of 4 stars; one submission).

Conditions:
Developmental and epileptic encephalopathy, 14 (DEE14). Also called: Early infantile epileptic encephalopathy 14. Identifiers: Orphanet 293181, MedGen C3554195, MONDO:0013989, OMIM 614959.
Autosomal dominant nocturnal frontal lobe epilepsy 5. Also called: KCNT1-Related Epilepsy; CILIARY DYSKINESIA, PRIMARY, 28, WITH SITUS INVERSUS; Epilepsy, nocturnal frontal lobe, 5; CILIARY DYSKINESIA, PRIMARY, 28, WITHOUT SITUS INVERSUS. Identifiers: Orphanet 98784, MedGen C3554306, MONDO:0014002, OMIM 615005.

Submission:

Labcorp Genetics (formerly Invitae), Labcorp
Classification: Uncertain significance for Autosomal dominant nocturnal frontal lobe epilepsy 5; Developmental and epileptic encephalopathy, 14. Last evaluated: 2021-04-12. Review status: criteria provided, single submitter. Criteria: Invitae Variant Classification Sherloc (09022015). Collection method: clinical testing. Allele origin: germline.
Comment: In summary, the available evidence is currently insufficient to determine the role of this variant in disease. Therefore, it has been classified as a Variant of Uncertain Significance. Algorithms developed to predict the effect of sequence changes on RNA splicing suggest that this variant is not likely to affect RNA splicing, but this prediction has not been confirmed by published transcriptional studies. This variant has been observed in individual(s) with clinical features of KCNT1-related conditions (Invitae). This variant is not present in population databases (ExAC no frequency). This sequence change falls in intron 18 of the KCNT1 gene. It does not directly change the encoded amino acid sequence of the KCNT1 protein.

NM_020822.3(KCNT1):c.2008+15del

Gene: KCNT1 (potassium sodium-activated channel subfamily T member 1; plus strand). Cytogenetic location: 9q34.3.
Variant type: Deletion.
Coding change: c.2008+15del on transcript NM_020822.3 (MANE Select); 15 bases into the intron after coding-DNA position 2008, one base deleted (G; older notation c.2008+15delG).
Molecular consequence: intron variant.
Genome position (GRCh38, 1-based): chr9:135,771,110, G deleted; the last of 2 consecutive G bases (chr9:135,771,109-135,771,110); deleting either gives the same sequence. VCF-style (leftmost placement, unchanged base first): chr9-135771108-AG-A. GRCh37 (hg19) VCF-style: chr9-138662954-AG-A.
Other names: c.1873+15del (NM_001272003.2).
Identifiers: ClinVar variation 1437593 (VCV001437593.10), dbSNP rs2131512215, ClinGen allele CA2573144180.